The following is an entry in ClinVar:

ClinVar aggregate classification (germline): Uncertain significance. Review status: criteria provided, multiple submitters, no conflicts (2 of 4 stars). 2 submissions from 2 submitters: Uncertain significance (2). Last evaluated 2024-01-28.

Conditions:
Gastrointestinal stromal tumor. Also called: Gastrointestinal stromal tumor, somatic; Gastrointestinal stroma tumor. Identifiers: Orphanet 44890, MedGen C0238198, MeSH D046152, MONDO:0011719, OMIM 606764, HP:0100723.
Hereditary cancer-predisposing syndrome. Also called: Hereditary neoplastic syndrome; Neoplastic Syndromes, Hereditary; Hereditary Cancer Syndrome; Tumor predisposition. Identifiers: Orphanet 140162, MedGen C0027672, MeSH D009386, MONDO:0015356.

Allele frequency attached by ClinVar (database versions not stated): gnomAD exomes below 0.00001.
gnomAD v4.1: 1 of 1,614,104 alleles (0.000062%); highest among the groups gnomAD compares: Non-Finnish European, 0.000085%; no homozygotes.

Submissions (2):

Ambry Genetics
Classification: Uncertain significance for Hereditary cancer-predisposing syndrome. Last evaluated: 2024-01-28. Review status: criteria provided, single submitter. Criteria: Ambry Variant Classification Scheme 2023. Collection method: clinical testing. Allele origin: germline.
Comment: The p.I1050T variant (also known as c.3149T>C), located in coding exon 22 of the PDGFRA gene, results from a T to C substitution at nucleotide position 3149. The isoleucine at codon 1050 is replaced by threonine, an amino acid with similar properties. This amino acid position is conserved. In addition, the in silico prediction for this alteration is inconclusive. Based on the available evidence, the clinical significance of this alteration remains unclear.

Labcorp Genetics (formerly Invitae), Labcorp
Classification: Uncertain significance for Gastrointestinal stromal tumor. Last evaluated: 2023-06-29. Review status: criteria provided, single submitter. Criteria: Invitae Variant Classification Sherloc (09022015). Collection method: clinical testing. Allele origin: germline.
Comment: This sequence change replaces isoleucine, which is neutral and non-polar, with threonine, which is neutral and polar, at codon 1050 of the PDGFRA protein (p.Ile1050Thr). This variant is not present in population databases (gnomAD no frequency). In summary, the available evidence is currently insufficient to determine the role of this variant in disease. Therefore, it has been classified as a Variant of Uncertain Significance. Advanced modeling of protein sequence and biophysical properties (such as structural, functional, and spatial information, amino acid conservation, physicochemical variation, residue mobility, and thermodynamic stability) performed at Invitae indicates that this missense variant is not expected to disrupt PDGFRA protein function. ClinVar contains an entry for this variant (Variation ID: 962687). This variant has not been reported in the literature in individuals affected with PDGFRA-related conditions.

NM_006206.6(PDGFRA):c.3149T>C (p.Ile1050Thr)

Gene: PDGFRA (platelet derived growth factor receptor alpha; plus strand). Cytogenetic location: 4q12.
Variant type: single nucleotide variant.
Coding change: c.3149T>C on transcript NM_006206.6 (MANE Select); coding-DNA position 3149, T replaced by C.
Protein change: p.Ile1050Thr; replaces isoleucine 1050 with threonine.
Molecular consequence: missense variant.
Genome position (GRCh38, 1-based): chr4:54,295,151, T>C. VCF-style: chr4-54295151-T-C. GRCh37 (hg19) VCF-style: chr4-55161318-T-C.
Other names: c.3224T>C, p.Ile1075Thr (NM_001347828.2); c.3149T>C, p.Ile1050Thr (NM_001347829.2); c.3188T>C, p.Ile1063Thr (NM_001347830.2); short protein forms I1050T, I1063T, I1075T.
Identifiers: ClinVar variation 962687 (VCV000962687.9), dbSNP rs1724816247, ClinGen allele CA356896499.